The following is an entry in ClinVar:

NM_006231.4(POLE):c.6016G>T (p.Ala2006Ser)

Gene: POLE (DNA polymerase epsilon, catalytic subunit; minus strand). Cytogenetic location: 12q24.33.
Variant type: single nucleotide variant.
Coding change: c.6016G>T on transcript NM_006231.4 (MANE Select); coding-DNA position 6016, G replaced by T.
Protein change: p.Ala2006Ser; replaces alanine 2006 with serine.
Molecular consequence: missense variant.
Genome position (GRCh38, 1-based): chr12:132,632,784, C>A on the plus strand (G>T on the coding strand, the complement: POLE is on the minus strand). VCF-style: chr12-132632784-C-A. GRCh37 (hg19) VCF-style: chr12-133209370-C-A.
Other names: short protein forms A2006S.
Identifiers: ClinVar variation 505484 (VCV000505484.18), dbSNP rs1328375671, ClinGen allele CA387370900.

ClinVar aggregate classification (germline): Uncertain significance. Review status: criteria provided, multiple submitters, no conflicts (2 of 4 stars). 4 submissions from 4 submitters: Uncertain significance (4). Last evaluated 2025-12-03.

Conditions:
Hereditary cancer-predisposing syndrome. Also called: Neoplastic Syndromes, Hereditary; Hereditary Cancer Syndrome; Tumor predisposition; Hereditary neoplastic syndrome. Identifiers: Orphanet 140162, MedGen C0027672, MeSH D009386, MONDO:0015356.

Allele frequency attached by ClinVar (database versions not stated): TOPMed 0.00001.
gnomAD v4.1: 2 of 1,607,828 alleles (0.00012%); highest among the groups gnomAD compares: Non-Finnish European, 0.000085%; no homozygotes.

Submissions (4):

Labcorp Genetics (formerly Invitae), Labcorp
Classification: Uncertain significance. Last evaluated: 2025-12-03. Review status: criteria provided, single submitter. Criteria: Invitae Variant Classification Sherloc (09022015). Collection method: clinical testing. Allele origin: germline.
Comment: This sequence change replaces alanine, which is neutral and non-polar, with serine, which is neutral and polar, at codon 2006 of the POLE protein (p.Ala2006Ser). The frequency data for this variant in the population databases is considered unreliable, as metrics indicate poor data quality at this position in the gnomAD database. This variant has not been reported in the literature in individuals affected with POLE-related conditions. ClinVar contains an entry for this variant (Variation ID: 505484). Invitae Evidence Modeling of protein sequence and biophysical properties (such as structural, functional, and spatial information, amino acid conservation, physicochemical variation, residue mobility, and thermodynamic stability) indicates that this missense variant is not expected to disrupt POLE protein function with a negative predictive value of 80%. In summary, the available evidence is currently insufficient to determine the role of this variant in disease. Therefore, it has been classified as a Variant of Uncertain Significance.

Ambry Genetics
Classification: Uncertain significance for Hereditary cancer-predisposing syndrome. Last evaluated: 2023-12-29. Review status: criteria provided, single submitter. Criteria: Ambry Variant Classification Scheme 2023. Collection method: clinical testing. Allele origin: germline.
Comment: The p.A2006S variant (also known as c.6016G>T), located in coding exon 44 of the POLE gene, results from a G to T substitution at nucleotide position 6016. The alanine at codon 2006 is replaced by serine, an amino acid with similar properties. This amino acid position is conserved. In addition, the in silico prediction for this alteration is inconclusive. Since supporting evidence is limited at this time, the clinical significance of this alteration remains unclear.

GeneDx
Classification: Uncertain significance. Last evaluated: 2019-10-11. Review status: criteria provided, single submitter. Criteria: GeneDx Variant Classification Process June 2021. Collection method: clinical testing. Allele origin: germline. Affected: yes.
Comment: Not observed in large population cohorts (Lek 2016); In silico analysis, which includes protein predictors and evolutionary conservation, supports that this variant does not alter protein structure/function; Has not been previously published as pathogenic or benign to our knowledge

Laboratory for Molecular Medicine, Mass General Brigham Personalized Medicine
Classification: Uncertain significance. Last evaluated: 2016-12-08. Review status: criteria provided, single submitter. Criteria: LMM Criteria. Collection method: clinical testing. Allele origin: germline. Observed: 1 variant allele.
Comment: The p.Ala2006Ser variant in POLE has not been previously reported in individuals with colorectal cancer, but has been identified in 1/3514 of Finnish chromosome s by the genome Aggregation Database (gnomAD). Computational prediction tools and conservation analysis do not provide strong support for or against an impact to the protein. In summary, the clinical signif icance of the p.Ala2006Ser variant is uncertain.